The following is an entry in ClinVar:

NM_014875.3(KIF14):c.2783A>C (p.Lys928Thr)

Gene: KIF14 (kinesin family member 14; minus strand). Cytogenetic location: 1q32.1.
Variant type: single nucleotide variant.
Coding change: c.2783A>C on transcript NM_014875.3 (MANE Select); coding-DNA position 2783, A replaced by C.
Protein change: p.Lys928Thr; replaces lysine 928 with threonine.
Molecular consequence: missense variant.
Genome position (GRCh38, 1-based): chr1:200,592,110, T>G on the plus strand (A>C on the coding strand, the complement: KIF14 is on the minus strand). VCF-style: chr1-200592110-T-G. GRCh37 (hg19) VCF-style: chr1-200561238-T-G.
Other names: c.1310A>C, p.Lys437Thr (NM_001305792.1); short protein forms K437T, K928T.
Identifiers: ClinVar variation 2061086 (VCV002061086.2), dbSNP rs150766596, ClinGen allele CA1317432.
Genomic context (GRCh38, chr1:200,592,110, plus strand): 5'-CTTACTATTTCATATCAACAGCATACTTACTGTGATCTCTGTGCCATGAGCAACTCATTT[T>G]TTGCAAATTCAAAGTCTTTTGGACCCTCACTTATAGGAGTATCTCTTCCAGATGGCCTTT-3'
Protein context (NP_055690.1, residues 918-938): SEGPKDFEFA[Lys928Thr]NELLMAQRSQ

ClinVar aggregate classification (germline): Uncertain significance (1 of 4 stars; one submission).

Allele frequency attached by ClinVar (database versions not stated): TOPMed 0.00027; gnomAD 0.00032; ExAC 0.00033; gnomAD exomes 0.00054; ESP Exome Variant Server 0.00062.
gnomAD v4.1: 836 of 1,613,572 alleles (0.052%); highest among the groups gnomAD compares: Non-Finnish European, 0.067%; 1 homozygote.

Submission:

Labcorp Genetics (formerly Invitae), Labcorp
Classification: Uncertain significance. Last evaluated: 2024-11-07. Review status: criteria provided, single submitter. Criteria: Invitae Variant Classification Sherloc (09022015). Collection method: clinical testing. Allele origin: germline.
Comment: This sequence change replaces lysine, which is basic and polar, with threonine, which is neutral and polar, at codon 928 of the KIF14 protein (p.Lys928Thr). This variant is present in population databases (rs150766596, gnomAD 0.07%). This variant has not been reported in the literature in individuals affected with KIF14-related conditions. ClinVar contains an entry for this variant (Variation ID: 2061086). An algorithm developed to predict the effect of missense changes on protein structure and function (PolyPhen-2) suggests that this variant is likely to be disruptive. In summary, the available evidence is currently insufficient to determine the role of this variant in disease. Therefore, it has been classified as a Variant of Uncertain Significance.